The following is an entry in ClinVar:

NM_000384.3(APOB):c.8004G>A (p.Met2668Ile)

Gene: APOB (apolipoprotein B; minus strand). Cytogenetic location: 2p24.1.
Variant type: single nucleotide variant.
Coding change: c.8004G>A on transcript NM_000384.3 (MANE Select); coding-DNA position 8004, G replaced by A.
Protein change: p.Met2668Ile; replaces methionine 2668 with isoleucine.
Molecular consequence: missense variant.
Genome position (GRCh38, 1-based): chr2:21,008,864, C>T on the plus strand (G>A on the coding strand, the complement: APOB is on the minus strand). VCF-style: chr2-21008864-C-T. GRCh37 (hg19) VCF-style: chr2-21231736-C-T.
Other names: short protein forms M2668I.
Identifiers: ClinVar variation 2922832 (VCV002922832.3), dbSNP rs768656991, ClinGen allele CA065018.

ClinVar aggregate classification (germline): Uncertain significance (1 of 4 stars; one submission).

Conditions:
Hypercholesterolemia, autosomal dominant, type B (FHCL2). Also called: APOB-Related Familial Hypercholesterolemia, Autosomal Dominant; Familial Hypercholesterolemia Type B; APOLIPOPROTEIN B-100, FAMILIAL DEFECTIVE; APOLIPOPROTEIN B-100, FAMILIAL LIGAND-DEFECTIVE; HYPERCHOLESTEROLEMIA, FAMILIAL, DUE TO LIGAND-DEFECTIVE APOLIPOPROTEIN B; Hyperlipoproteinemia Type IIb. Identifiers: MedGen C1704417, MONDO:0007751, OMIM 144010.
Familial hypobetalipoproteinemia 1. Also called: Hypobetalipoproteinemia, normotriglyceridemic; Acanthocytosis with hypobetalipoproteinemia; APOB-Related Familial Hypobetalipoproteinemia. Identifiers: MedGen C4551990, MONDO:0014252, OMIM 615558.

Allele frequency attached by ClinVar (database versions not stated): TOPMed below 0.00001; gnomAD exomes 0.00001; ExAC 0.00002.
gnomAD v4.1: 5 of 1,614,012 alleles (0.00031%); highest among the groups gnomAD compares: Non-Finnish European, 0.00042%; no homozygotes.

Submission:

Labcorp Genetics (formerly Invitae), Labcorp
Classification: Uncertain significance for Familial hypobetalipoproteinemia 1; Hypercholesterolemia, autosomal dominant, type B. Last evaluated: 2023-11-22. Review status: criteria provided, single submitter. Criteria: Invitae Variant Classification Sherloc (09022015). Collection method: clinical testing. Allele origin: germline.
Comment: This sequence change replaces methionine, which is neutral and non-polar, with isoleucine, which is neutral and non-polar, at codon 2668 of the APOB protein (p.Met2668Ile). This variant is present in population databases (rs768656991, gnomAD 0.002%). This variant has not been reported in the literature in individuals affected with APOB-related conditions. Advanced modeling of protein sequence and biophysical properties (such as structural, functional, and spatial information, amino acid conservation, physicochemical variation, residue mobility, and thermodynamic stability) performed at Invitae indicates that this missense variant is not expected to disrupt APOB protein function with a negative predictive value of 95%. In summary, the available evidence is currently insufficient to determine the role of this variant in disease. Therefore, it has been classified as a Variant of Uncertain Significance.